The following is an entry in ClinVar:

ClinVar aggregate classification (germline): Pathogenic (1 of 4 stars; one submission).

Allele frequency attached by ClinVar (database versions not stated): gnomAD exomes below 0.00001.
gnomAD v4.1: 1 of 1,614,112 alleles (0.000062%); highest among the groups gnomAD compares: East Asian, 0.0022%; no homozygotes.

Submission:

GeneDx
Classification: Pathogenic. Last evaluated: 2022-03-01. Review status: criteria provided, single submitter. Criteria: GeneDx Variant Classification Process June 2021. Collection method: clinical testing. Allele origin: germline. Affected: yes.
Comment: Located in the highly conserved Gly-X-Y repeat of the collagenous domain; Glycine substitution variants in this region of the COLVII protein destabilize the collagen triple helix resulting in skin fragility due to poor anchoring of the basement membrane to the underlying dermis (Pfendner and Lucky, 2018); Not observed at significant frequency in large population cohorts (gnomAD); In silico analysis supports that this missense variant has a deleterious effect on protein structure/function; This variant is associated with the following publications: (PMID: 25525159, 21629976, 21448560, 20301481, 10504458)

NM_000094.4(COL7A1):c.6725G>A (p.Gly2242Glu)

Gene: COL7A1 (collagen type VII alpha 1 chain; minus strand). Cytogenetic location: 3p21.31.
Variant type: single nucleotide variant.
Coding change: c.6725G>A on transcript NM_000094.4 (MANE Select); coding-DNA position 6725, G replaced by A.
Protein change: p.Gly2242Glu; replaces glycine 2242 with glutamic acid.
Molecular consequence: missense variant.
Genome position (GRCh38, 1-based): chr3:48,573,046, C>T on the plus strand (G>A on the coding strand, the complement: COL7A1 is on the minus strand). VCF-style: chr3-48573046-C-T. GRCh37 (hg19) VCF-style: chr3-48610479-C-T.
Other names: short protein forms G2242E.
Identifiers: ClinVar variation 1703942 (VCV001703942.2), dbSNP rs2530915318, ClinGen allele CA352655152.